The following is an entry in ClinVar:

NM_012186.3(FOXE3):c.131C>A (p.Ala44Glu)

Genes: FOXE3 (forkhead box E3; plus strand), LINC01389 (long independently transcribed non-coding RNA 1389; minus strand). Cytogenetic location: 1p33.
Variant type: single nucleotide variant.
Coding change: c.131C>A on transcript NM_012186.3 (MANE Select); coding-DNA position 131, C replaced by A.
Protein change: p.Ala44Glu; replaces alanine 44 with glutamic acid.
Molecular consequence: missense variant.
Genome position (GRCh38, 1-based): chr1:47,416,446, C>A. VCF-style: chr1-47416446-C-A. GRCh37 (hg19) VCF-style: chr1-47882118-C-A.
Other names: c.131C>A (NM_012186.2); short protein forms A44E.
Identifiers: ClinVar variation 2148018 (VCV002148018.5), dbSNP rs954703925, ClinGen allele CA22068368.

ClinVar aggregate classification (germline): Uncertain significance. Review status: criteria provided, multiple submitters, no conflicts (2 of 4 stars). 3 submissions from 3 submitters: Uncertain significance (3). Last evaluated 2025-11-15.

Conditions:
Cardiovascular phenotype. Identifiers: MedGen CN230736.
Anterior segment dysgenesis. Also called: Ocular anterior segment dysgenesis. Identifiers: Orphanet 88632, MedGen C1862839, MONDO:0019503, HP:0007700.
Congenital primary aphakia. Also called: Anterior segment dysgenesis 2, multiple subtypes; ANTERIOR SEGMENT DYSGENESIS 2. Identifiers: Orphanet 83461, MedGen C1853230, MONDO:0012456, OMIM 610256.
FOXE3-related disorder. Also called: FOXE3-related condition.

Allele frequency attached by ClinVar (database versions not stated): gnomAD 0.00001; TOPMed 0.00002.

Submissions (3):

Ambry Genetics
Classification: Uncertain significance for Cardiovascular phenotype. Last evaluated: 2025-11-15. Review status: criteria provided, single submitter. Criteria: Ambry Variant Classification Scheme 2023. Collection method: clinical testing. Allele origin: germline.
Comment: The p.A44E variant (also known as c.131C>A), located in coding exon 1 of the FOXE3 gene, results from a C to A substitution at nucleotide position 131. The alanine at codon 44 is replaced by glutamic acid, an amino acid with dissimilar properties. This amino acid position is conserved. In addition, this alteration is predicted to be tolerated by in silico analysis. Based on the available evidence, the clinical significance of this variant remains unclear.

Labcorp Genetics (formerly Invitae), Labcorp
Classification: Uncertain significance for Anterior segment dysgenesis; Congenital primary aphakia. Last evaluated: 2025-07-23. Review status: criteria provided, single submitter. Criteria: Invitae Variant Classification Sherloc (09022015). Collection method: clinical testing. Allele origin: germline.
Comment: This sequence change replaces alanine, which is neutral and non-polar, with glutamic acid, which is acidic and polar, at codon 44 of the FOXE3 protein (p.Ala44Glu). The frequency data for this variant in the population databases is considered unreliable, as metrics indicate insufficient coverage at this position in the gnomAD database. This variant has not been reported in the literature in individuals affected with FOXE3-related conditions. ClinVar contains an entry for this variant (Variation ID: 2148018). Invitae Evidence Modeling of protein sequence and biophysical properties (such as structural, functional, and spatial information, amino acid conservation, physicochemical variation, residue mobility, and thermodynamic stability) indicates that this missense variant is not expected to disrupt FOXE3 protein function with a negative predictive value of 95%. In summary, the available evidence is currently insufficient to determine the role of this variant in disease. Therefore, it has been classified as a Variant of Uncertain Significance.

PreventionGenetics, part of Exact Sciences
Classification: Uncertain significance for FOXE3-related condition. Last evaluated: 2023-03-27. Review status: criteria provided, single submitter. Criteria: ACMG Guidelines, 2015. Collection method: clinical testing. Allele origin: germline.
Comment: The FOXE3 c.131C>A variant is predicted to result in the amino acid substitution p.Ala44Glu. To our knowledge, this variant has not been reported in the literature or in a large population database, indicating this variant is rare. At this time, the clinical significance of this variant is uncertain due to the absence of conclusive functional and genetic evidence.